The following is an entry in ClinVar:

ClinVar aggregate classification (germline): Uncertain significance (1 of 4 stars; one submission).

Conditions:
Inborn genetic diseases. Identifiers: MedGen C0950123, MeSH D030342.

Submission:

Ambry Genetics
Classification: Uncertain significance for Inborn genetic diseases. Last evaluated: 2025-08-02. Review status: criteria provided, single submitter. Criteria: Ambry Variant Classification Scheme 2023. Collection method: clinical testing. Allele origin: germline.
Comment: The p.V1822L variant (also known as c.5464G>T), located in coding exon 21 of the FANCM gene, results from a G to T substitution at nucleotide position 5464. The valine at codon 1822 is replaced by leucine, an amino acid with highly similar properties. This amino acid position is conserved. In addition, the in silico prediction for this alteration is inconclusive. Based on the available evidence, the clinical significance of this variant remains unclear.

NM_020937.4(FANCM):c.5464G>T (p.Val1822Leu)

Gene: FANCM (FA complementation group M; plus strand). Cytogenetic location: 14q21.2.
Variant type: single nucleotide variant.
Coding change: c.5464G>T on transcript NM_020937.4 (MANE Select); coding-DNA position 5464, G replaced by T.
Protein change: p.Val1822Leu; replaces valine 1822 with leucine.
Molecular consequence: missense variant.
Genome position (GRCh38, 1-based): chr14:45,196,295, G>T. VCF-style: chr14-45196295-G-T. GRCh37 (hg19) VCF-style: chr14-45665498-G-T.
Other names: c.5386G>T, p.Val1796Leu (NM_001308133.2); short protein forms V1796L, V1822L.
Identifiers: ClinVar variation 4254638 (VCV004254638.1).